The following is an entry in ClinVar:

ClinVar aggregate classification (germline): Uncertain significance. Review status: criteria provided, multiple submitters, no conflicts (2 of 4 stars). 3 submissions from 3 submitters: Uncertain significance (3). Last evaluated 2025-11-13.

Conditions:
Inborn genetic diseases. Identifiers: MedGen C0950123, MeSH D030342.

Allele frequency attached by ClinVar (database versions not stated): gnomAD exomes 0.00003 and 0.00006; gnomAD 0.00004 and 0.00005; ExAC 0.00003; TOPMed 0.00005; ESP Exome Variant Server 0.00015.
gnomAD v4.1: 99 of 1,612,952 alleles (0.0061%); highest among the groups gnomAD compares: Middle Eastern, 0.016%; no homozygotes.

Submissions (3):

Ambry Genetics
Classification: Uncertain significance for Inborn genetic diseases. Last evaluated: 2025-11-13. Review status: criteria provided, single submitter. Criteria: Ambry Variant Classification Scheme 2023. Collection method: clinical testing. Allele origin: germline.

ARUP Laboratories, Molecular Genetics and Genomics, ARUP Laboratories
Classification: Uncertain significance. Last evaluated: 2017-05-31. Review status: criteria provided, single submitter. Criteria: ARUP Molecular Germline Variant Investigation Process. Collection method: clinical testing. Allele origin: germline.
Comment: The p.Ser542Thr variant (rs374976508) has not been reported in the medical literature, is not listed in gene-specific variant databases, nor has it been previously identified in our laboratory. It is listed in the Genome Aggregation Database (gnomAD) browser with an overall frequency of 0.009% (identified in 11 out of 126,174 chromosomes). The serine at codon 542 is highly conserved considering 11 species up to Tetraodon (Alamut software v2.9), and computational analyses suggest this variant has significant effect on CORIN protein structure/function (SIFT: damaging, PolyPhen2: probably damaging, and Mutation Taster: disease causing). However, based on the available information, the clinical significance of the p.Ser542Thr variant cannot be determined with certainty.

Breakthrough Genomics
Classification: Uncertain significance. Review status: criteria provided, single submitter. Criteria: ACMG Guidelines, 2015. Collection method: not provided. Allele origin: germline. Inheritance: Unknown mechanism. Affected: yes.

NM_006587.4(CORIN):c.1624T>A (p.Ser542Thr)

Gene: CORIN (corin, serine peptidase; minus strand). Cytogenetic location: 4p12.
Variant type: single nucleotide variant.
Coding change: c.1624T>A on transcript NM_006587.4 (MANE Select); coding-DNA position 1624, T replaced by A.
Protein change: p.Ser542Thr; replaces serine 542 with threonine.
Molecular consequence: missense variant.
Genome position (GRCh38, 1-based): chr4:47,661,822, A>T on the plus strand (T>A on the coding strand, the complement: CORIN is on the minus strand). VCF-style: chr4-47661822-A-T. GRCh37 (hg19) VCF-style: chr4-47663839-A-T.
Other names: c.1312T>A, p.Ser438Thr (NM_001278585.2); c.1513T>A, p.Ser505Thr (NM_001278586.2); c.1624T>A (NM_006587.2); short protein forms S542T, S505T, S438T.
Identifiers: ClinVar variation 439552 (VCV000439552.11), dbSNP rs374976508, ClinGen allele CA2909614.